The following is an entry in ClinVar:

NM_000540.3(RYR1):c.6827C>T (p.Ala2276Val)

Gene: RYR1 (ryanodine receptor 1; plus strand). Cytogenetic location: 19q13.2.
Variant type: single nucleotide variant.
Coding change: c.6827C>T on transcript NM_000540.3 (MANE Select); coding-DNA position 6827, C replaced by T.
Protein change: p.Ala2276Val; replaces alanine 2276 with valine.
Molecular consequence: missense variant.
Genome position (GRCh38, 1-based): chr19:38,496,890, C>T. VCF-style: chr19-38496890-C-T. GRCh37 (hg19) VCF-style: chr19-38987530-C-T.
Other names: c.6827C>T, p.Ala2276Val (NM_001042723.2); short protein forms A2276V.
Identifiers: ClinVar variation 3071067 (VCV003071067.2), dbSNP rs781059995, ClinGen allele CA068794.

ClinVar aggregate classification (germline): Uncertain significance. Review status: criteria provided, multiple submitters, no conflicts (2 of 4 stars). 2 submissions from 2 submitters: Uncertain significance (2). Last evaluated 2024-03-05.

Conditions:
Malignant hyperthermia, susceptibility to, 1 (MHS1). Also called: Anesthesia related hyperthermia; Malignant hyperpyrexia; Fulminating hyperpyrexia; Pharmacogenic myopathy; RYR1-Related Malignant Hyperthermia Susceptibility; Malignant hyperthermia suceptibility 1. Identifiers: Orphanet 423, MedGen C2930980, MONDO:0007783, OMIM 145600.

Allele frequency attached by ClinVar (database versions not stated): gnomAD 0.00001; ExAC 0.00002; gnomAD exomes 0.00002.
gnomAD v4.1: 23 of 1,613,296 alleles (0.0014%); highest among the groups gnomAD compares: Non-Finnish European, 0.0019%; no homozygotes.

Submissions (2):

GeneDx
Classification: Uncertain significance. Last evaluated: 2024-03-05. Review status: criteria provided, single submitter. Criteria: GeneDx Variant Classification Process June 2021. Collection method: clinical testing. Allele origin: germline. Affected: yes.
Comment: Not observed at significant frequency in large population cohorts (gnomAD); In silico analysis supports that this missense variant has a deleterious effect on protein structure/function; Has not been previously published as pathogenic or benign to our knowledge; This variant is associated with the following publications: (PMID: 12668474, 33767344)

All of Us Research Program, National Institutes of Health
Classification: Uncertain significance for Malignant hyperthermia, susceptibility to, 1. Last evaluated: 2023-05-16. Review status: criteria provided, single submitter. Criteria: ACMG Guidelines, 2015. Collection method: clinical testing. Allele origin: germline. Inheritance: Autosomal dominant inheritance. Observed: 1 variant allele, 1 heterozygote.
Comment: This missense variant replaces alanine with valine at codon 2276 of the RYR1 protein. Computational prediction suggests that this variant may have deleterious impact on protein structure and function (internally defined REVEL score threshold >= 0.7, PMID: 27666373). To our knowledge, functional studies have not been reported for this variant. This variant has not been reported in individuals affected with RYR1-related disorders in the literature. This variant has been identified in 3/280956 chromosomes in the general population by the Genome Aggregation Database (gnomAD). The available evidence is insufficient to determine the role of this variant in disease conclusively. Therefore, this variant is classified as a Variant of Uncertain Significance.

This study involves interpretation of variants in research participants for the purpose of population health screening. Participant phenotype was not available at the time of variant classification. Additional details can be found in publication PMID: 35346344, PMCID: PMC8962531